The following is an entry in ClinVar:

NM_012478.4(WBP2):c.614A>G (p.Glu205Gly)

Gene: WBP2 (WW domain binding protein 2; minus strand). Cytogenetic location: 17q25.1.
Variant type: single nucleotide variant.
Coding change: c.614A>G on transcript NM_012478.4 (MANE Select); coding-DNA position 614, A replaced by G.
Protein change: p.Glu205Gly; replaces glutamic acid 205 with glycine.
Molecular consequence: missense variant.
Genome position (GRCh38, 1-based): chr17:75,847,528, T>C on the plus strand (A>G on the coding strand, the complement: WBP2 is on the minus strand). VCF-style: chr17-75847528-T-C. GRCh37 (hg19) VCF-style: chr17-73843609-T-C.
Other names: c.479A>G, p.Glu160Gly (NM_001330499.2); c.614A>G, p.Glu205Gly (NM_001348170.1); short protein forms E205G, E160G.
Identifiers: ClinVar variation 2748545 (VCV002748545.3), dbSNP rs2545993394, ClinGen allele CA401122968.
Genomic context (GRCh38, chr17:75,847,528, plus strand): 5'-AGCACCCAAGGGCCCTCACCTGCAGGAGTGGAGGGGACATCGGGGCCGCTGACCGGAGGT[T>C]CCATGGGCCCAGGGTAGGGCGGTGGTGGGGGCTGCACGTATCCCATGGCCCCGTCCATCA-3'
Protein context (NP_036610.2, residues 195-215): PPPPPYPGPM[Glu205Gly]PPVSGPDVPS

ClinVar aggregate classification (germline): Uncertain significance (1 of 4 stars; one submission).

Allele frequency attached by ClinVar (database versions not stated): gnomAD exomes below 0.00001.

Submission:

Labcorp Genetics (formerly Invitae), Labcorp
Classification: Uncertain significance. Last evaluated: 2023-08-14. Review status: criteria provided, single submitter. Criteria: Invitae Variant Classification Sherloc (09022015). Collection method: clinical testing. Allele origin: germline.
Comment: This sequence change replaces glutamic acid, which is acidic and polar, with glycine, which is neutral and non-polar, at codon 205 of the WBP2 protein (p.Glu205Gly). This variant is not present in population databases (gnomAD no frequency). This variant has not been reported in the literature in individuals affected with WBP2-related conditions. Advanced modeling of protein sequence and biophysical properties (such as structural, functional, and spatial information, amino acid conservation, physicochemical variation, residue mobility, and thermodynamic stability) performed at Invitae indicates that this missense variant is not expected to disrupt WBP2 protein function. In summary, the available evidence is currently insufficient to determine the role of this variant in disease. Therefore, it has been classified as a Variant of Uncertain Significance.